The following is an entry in ClinVar:

NM_020436.5(SALL4):c.167C>T (p.Ala56Val)

Gene: SALL4 (spalt like transcription factor 4; minus strand). Cytogenetic location: 20q13.2.
Variant type: single nucleotide variant.
Coding change: c.167C>T on transcript NM_020436.5 (MANE Select); coding-DNA position 167, C replaced by T.
Protein change: p.Ala56Val; replaces alanine 56 with valine.
Molecular consequence: missense variant.
Genome position (GRCh38, 1-based): chr20:51,792,316, G>A on the plus strand (C>T on the coding strand, the complement: SALL4 is on the minus strand). VCF-style: chr20-51792316-G-A. GRCh37 (hg19) VCF-style: chr20-50408855-G-A.
Other names: c.167C>T, p.Ala56Val (NM_001318031.2); short protein forms A56V.
Identifiers: ClinVar variation 2631969 (VCV002631969.3), dbSNP rs375832746, ClinGen allele CA9912519.
Genomic context (GRCh38, chr20:51,792,316, plus strand): 5'-TTCTCACAGACGTGCGTCTCCTCCCGACGAAGCCGCTTTACTGTGGCTTCATCCTCACTC[G>A]CCACCTCGTCATTCCCTGGGTGGTTCACTGGAGCACCTGTAACAAGACAGAAAAAGCTAA-3'
Protein context (NP_065169.1, residues 46-66): PVNHPGNDEV[Ala56Val]SEDEATVKRL

ClinVar aggregate classification (germline): Conflicting classifications of pathogenicity. Review status: criteria provided, conflicting classifications (1 of 4 stars). 3 submissions from 3 submitters: Uncertain significance (2); Likely benign (1). Last evaluated 2024-01-15.

Conditions:
SALL4-Related Disorders. Also called: SALL4-related condition; SALL4-related disorder. Identifiers: MedGen CN381056.
Duane-radial ray syndrome (DRRS). Also called: Duane-Radial Ray Syndrome/Okihiro Syndrome; Duane-Radial Ray Syndrome (DRRS) / Okihiro Syndrome; ACRORENOOCULAR SYNDROME; Okihiro Syndrome; DR SYNDROME; DUANE ANOMALY WITH RADIAL RAY ABNORMALITIES AND DEAFNESS. Identifiers: Orphanet 93293, Orphanet 959, MedGen C1623209, MONDO:0011812, OMIM 607323. Disease mechanism: gain of function.
Oculootoradial syndrome (IVIC). Also called: RADIAL RAY DEFECTS, HEARING IMPAIRMENT, EXTERNAL OPHTHALMOPLEGIA, AND THROMBOCYTOPENIA; IVIC syndrome. Identifiers: Orphanet 2307, MedGen C1327918, MONDO:0007836, OMIM 147750.

Allele frequency attached by ClinVar (database versions not stated): TOPMed below 0.00001; ExAC 0.00001; ESP Exome Variant Server 0.00008.

Submissions (3):

Fulgent Genetics
Classification: Uncertain significance for Oculootoradial syndrome; Duane-radial ray syndrome. Last evaluated: 2024-01-15. Review status: criteria provided, single submitter. Criteria: ACMG Guidelines, 2015. Collection method: clinical testing. Allele origin: germline.

Blueprint Genetics
Classification: Likely benign. Last evaluated: 2023-09-08. Review status: criteria provided, single submitter. Criteria: ACMG Guidelines, 2015. Collection method: clinical testing. Allele origin: germline.

PreventionGenetics, part of Exact Sciences
Classification: Uncertain significance for SALL4-related condition. Last evaluated: 2022-12-20. Review status: criteria provided, single submitter. Criteria: ACMG Guidelines, 2015. Collection method: clinical testing. Allele origin: germline.
Comment: The SALL4 c.167C>T variant is predicted to result in the amino acid substitution p.Ala56Val. To our knowledge, this variant has not been reported in the literature. This variant is reported in 0.0055% of alleles in individuals of East Asian descent in gnomAD. At this time, the clinical significance of this variant is uncertain due to the absence of conclusive functional and genetic evidence.